The following is an entry in ClinVar:

NM_000540.3(RYR1):c.13659+2T>A

Gene: RYR1 (ryanodine receptor 1; plus strand). Cytogenetic location: 19q13.2.
Variant type: single nucleotide variant.
Coding change: c.13659+2T>A on transcript NM_000540.3 (MANE Select); the canonical splice donor site of the intron after coding-DNA position 13659, T replaced by A.
Molecular consequence: splice donor variant.
Genome position (GRCh38, 1-based): chr19:38,567,919, T>A. VCF-style: chr19-38567919-T-A. GRCh37 (hg19) VCF-style: chr19-39058559-T-A.
Other names: c.13644+2T>A (NM_001042723.2).
Identifiers: ClinVar variation 2707388 (VCV002707388.3), dbSNP rs2514694950, ClinGen allele CA405678303.

ClinVar aggregate classification (germline): Likely pathogenic (1 of 4 stars; one submission).

Conditions:
RYR1-related disorder. Also called: RYR1-related condition; RYR1-related disorders. Identifiers: MedGen CN239331.

Submission:

Labcorp Genetics (formerly Invitae), Labcorp
Classification: Likely pathogenic for RYR1-related disorder. Last evaluated: 2024-03-20. Review status: criteria provided, single submitter. Criteria: Invitae Variant Classification Sherloc (09022015). Collection method: clinical testing. Allele origin: germline.
Comment: This sequence change affects a donor splice site in intron 93 of the RYR1 gene. It is expected to disrupt RNA splicing. Variants that disrupt the donor or acceptor splice site typically lead to a loss of protein function (PMID: 16199547), and loss-of-function variants in RYR1 are known to be pathogenic (PMID: 23919265, 25960145, 28818389, 30611313). This variant is not present in population databases (gnomAD no frequency). This variant has not been reported in the literature in individuals affected with RYR1-related conditions. Algorithms developed to predict the effect of sequence changes on RNA splicing suggest that this variant may disrupt the consensus splice site. In summary, the currently available evidence indicates that the variant is pathogenic, but additional data are needed to prove that conclusively. Therefore, this variant has been classified as Likely Pathogenic.

Literature cited by the submitters: PubMed 16199547; PubMed 23919265; PubMed 25960145; PubMed 28818389; PubMed 30611313.